The following is an entry in ClinVar:

NM_005026.5(PIK3CD):c.1628C>T (p.Pro543Leu)

Gene: PIK3CD (phosphatidylinositol-4,5-bisphosphate 3-kinase catalytic subunit delta; plus strand). Cytogenetic location: 1p36.22.
Variant type: single nucleotide variant.
Coding change: c.1628C>T on transcript NM_005026.5 (MANE Select); coding-DNA position 1628, C replaced by T.
Protein change: p.Pro543Leu; replaces proline 543 with leucine.
Molecular consequence: missense variant.
Genome position (GRCh38, 1-based): chr1:9,720,848, C>T. VCF-style: chr1-9720848-C-T. GRCh37 (hg19) VCF-style: chr1-9780906-C-T.
Other names: c.1625C>T, p.Pro542Leu (NM_001350234.2); c.1541C>T, p.Pro514Leu (NM_001350235.1); short protein forms P514L, P543L, P542L.
Identifiers: ClinVar variation 1487307 (VCV001487307.6), dbSNP rs2100955722, ClinGen allele CA338303939.

ClinVar aggregate classification (germline): Uncertain significance (1 of 4 stars; one submission).

Conditions:
Immunodeficiency 14 (IMD14A). Also called: ACTIVATED PI3K-DELTA SYNDROME 1; Activated PI3K Delta Syndrome Type 1 (APDS1); p110-DELTA-ACTIVATING MUTATION CAUSING SENESCENT T CELLS, LYMPHADENOPATHY, AND IMMUNODEFICIENCY; IMMUNODEFICIENCY 14A WITH LYMPHOPROLIFERATION, AUTOSOMAL DOMINANT. Identifiers: Orphanet 397596, Orphanet 693661, MedGen C5907821, MONDO:0014222, OMIM 615513.

Submission:

Labcorp Genetics (formerly Invitae), Labcorp
Classification: Uncertain significance for Activated PI3K-delta syndrome. Last evaluated: 2021-08-30. Review status: criteria provided, single submitter. Criteria: Invitae Variant Classification Sherloc (09022015). Collection method: clinical testing. Allele origin: germline.
Comment: This sequence change replaces proline with leucine at codon 543 of the PIK3CD protein (p.Pro543Leu). The proline residue is highly conserved and there is a moderate physicochemical difference between proline and leucine. This variant is not present in population databases (ExAC no frequency). This variant has not been reported in the literature in individuals affected with PIK3CD-related conditions. Algorithms developed to predict the effect of missense changes on protein structure and function are either unavailable or do not agree on the potential impact of this missense change (SIFT: "Deleterious"; PolyPhen-2: "Possibly Damaging"; Align-GVGD: "Class C0"). In summary, the available evidence is currently insufficient to determine the role of this variant in disease. Therefore, it has been classified as a Variant of Uncertain Significance.